The following is an entry in ClinVar:

NM_002890.3(RASA1):c.2140A>G (p.Met714Val)

Genes: CCNH (cyclin H; minus strand), RASA1 (RAS p21 protein activator 1; plus strand). Cytogenetic location: 5q14.3.
Variant type: single nucleotide variant.
Coding change: c.2140A>G on transcript NM_002890.3 (MANE Select); coding-DNA position 2140, A replaced by G.
Protein change: p.Met714Val; replaces methionine 714 with valine.
Molecular consequence: missense variant. On other transcripts: intron variant (1).
Genome position (GRCh38, 1-based): chr5:87,376,521, A>G. VCF-style: chr5-87376521-A-G. GRCh37 (hg19) VCF-style: chr5-86672338-A-G.
Other names: c.1609A>G, p.Met537Val (NM_022650.3); c.933+18523T>C (NM_001364075.2); short protein forms M714V, M537V.
Identifiers: ClinVar variation 3707181 (VCV003707181.2).

ClinVar aggregate classification (germline): Uncertain significance (1 of 4 stars; one submission).

Conditions:
Capillary malformation-arteriovenous malformation syndrome. Also called: Capillary malformation-arteriovenous malformation. Identifiers: Orphanet 137667, MedGen C1842180, MONDO:0012016.

Submission:

Labcorp Genetics (formerly Invitae), Labcorp
Classification: Uncertain significance for Capillary malformation-arteriovenous malformation syndrome. Last evaluated: 2024-04-25. Review status: criteria provided, single submitter. Criteria: Invitae Variant Classification Sherloc (09022015). Collection method: clinical testing. Allele origin: germline.
Comment: This sequence change replaces methionine, which is neutral and non-polar, with valine, which is neutral and non-polar, at codon 714 of the RASA1 protein (p.Met714Val). This variant is not present in population databases (gnomAD no frequency). This variant has not been reported in the literature in individuals affected with RASA1-related conditions. An algorithm developed to predict the effect of missense changes on protein structure and function (PolyPhen-2) suggests that this variant is likely to be tolerated. In summary, the available evidence is currently insufficient to determine the role of this variant in disease. Therefore, it has been classified as a Variant of Uncertain Significance.